The following is an entry in ClinVar:

ClinVar aggregate classification (germline): Likely pathogenic (1 of 4 stars; one submission).

Conditions:
Genitopatellar syndrome (GTPTS). Also called: Genitopatellar syndrome (GPS); ABSENT PATELLAE, SCROTAL HYPOPLASIA, RENAL ANOMALIES, FACIAL DYSMORPHISM, AND MENTAL RETARDATION. Identifiers: Orphanet 85201, MedGen C1853566, MONDO:0011640, OMIM 606170.
Blepharophimosis - intellectual disability syndrome, SBBYS type (SBBYSS). Also called: Say-Barber-Biesecker variant of Ohdo syndrome (SBBYSS); Say-Barber-Biesecker-Young-Simpson variant of Ohdo Syndrome; Say-Barber-Biesecker Variant of Ohdo Syndrome; Ohdo syndrome, SBBYS variant; SBBYSS syndrome; Say-Barber-Biesecker-Young-Simpson syndrome. Identifiers: Orphanet 3047, MedGen C1863557, MONDO:0011365, OMIM 603736.

Submission:

Juno Genomics, Hangzhou Juno Genomics, Inc
Classification: Likely pathogenic for Genitopatellar syndrome; Blepharophimosis - intellectual disability syndrome, SBBYS type. Review status: criteria provided, single submitter. Criteria: ACMG Guidelines, 2015. Collection method: clinical testing. Allele origin: germline. Affected: yes.
Comment: Null variant in a gene where loss of function (LOF) is a known mechanism of disease.;Absent from controls (or at extremely low frequency if recessive) in Genome Aggregation Database, Exome Sequencing Project, 1000 Genomes Project, or Exome Aggregation Consortium.;Assumed de novo, but without confirmation of paternity and maternity.;Patient's phenotype or family history is highly specific for a disease with a single genetic etiology.

NM_012330.4(KAT6B):c.5426del (p.Pro1809fs)

Gene: KAT6B (lysine acetyltransferase 6B; plus strand). Cytogenetic location: 10q22.2.
Variant type: Deletion.
Coding change: c.5426del on transcript NM_012330.4 (MANE Select); coding-DNA position 5426, one base deleted (C; older notation c.5426delC).
Protein change: p.Pro1809fs; shifts the reading frame from proline 1809.
Molecular consequence: frameshift variant.
Genome position (GRCh38, 1-based): chr10:75,030,250, C deleted; the last of 3 consecutive C bases (chr10:75,030,248-75,030,250); deleting any one gives the same sequence. VCF-style (leftmost placement, unchanged base first): chr10-75030247-AC-A. GRCh37 (hg19) VCF-style: chr10-76790005-AC-A.
Other names: c.4877del, p.Pro1626fs (NM_001256468.2, NM_001370138.1); c.4550del, p.Pro1517fs (NM_001256469.2, NM_001370139.1, NM_001370140.1 and 2 more transcripts); c.4388del, p.Pro1463fs (NM_001370132.1); c.3737del, p.Pro1246fs (NM_001370133.1); c.3341del, p.Pro1114fs (NM_001370134.1); c.3083del, p.Pro1028fs (NM_001370135.1); c.5426del, p.Pro1809fs (NM_001370136.1, NM_001370137.1); c.4361del, p.Pro1454fs (NM_001370143.1, NM_001370144.1); short protein forms P1028fs, P1114fs, P1246fs, P1454fs, P1463fs, P1517fs, P1626fs, P1809fs.
Identifiers: ClinVar variation 3382234 (VCV003382234.2).